The following is an entry in ClinVar:

ClinVar aggregate classification (germline): Pathogenic. Review status: criteria provided, multiple submitters, no conflicts (2 of 4 stars). 6 submissions from 6 submitters: Pathogenic (5). 1 of the submissions does not count toward it. Last evaluated 2025-10-10.

Conditions:
Anterior segment dysgenesis 3 (ASGD3). Also called: IRIDOGONIODYSGENESIS ANOMALY, AUTOSOMAL DOMINANT; Glaucoma iridogoniodysplasia, familial. Identifiers: Orphanet 91483, MedGen C5975707, MONDO:0024456, OMIM 601631.
FOXC1-related disorders.
Axenfeld-Rieger syndrome type 3 (RIEG3). Also called: AXENFELD-RIEGER ANOMALY WITH CARDIAC DEFECTS AND/OR SENSORINEURAL HEARING LOSS. Identifiers: Orphanet 782, MedGen C2678503, MONDO:0011233, OMIM 602482.

Submissions (6):

MVZ Martinsried, Medicover Genetics
Classification: Pathogenic for Axenfeld-Rieger syndrome type 3. Last evaluated: 2025-10-10. Review status: criteria provided, single submitter. Criteria: ClinGen Variant Curation SOP V3.2 + Classification Guidance July2025. Collection method: clinical testing. Allele origin: inherited. Affected: yes. Observed: 1 heterozygote.

Victorian Clinical Genetics Services, Murdoch Childrens Research Institute
Classification: Pathogenic for Anterior segment dysgenesis 3. Last evaluated: 2023-12-21. Review status: criteria provided, single submitter. Criteria: ACMG Guidelines, 2015. Collection method: clinical testing. Allele origin: germline. Inheritance: Autosomal dominant inheritance. Affected: yes.
Comment: Based on the classification scheme VCGS_Germline_v1.3.4, this variant is classified as Pathogenic. Following criteria are met: 0102 - Loss of function is a likely mechanism of disease in this gene and is associated with Axenfeld-Rieger syndrome, type 3 (MIM #602482), anterior segment dysgenesis 3 (MIM #601631), congenital glaucoma (PMID: 31836490) and juvenile open angle glaucoma (PMID: 31836490). While loss of function has been functionally proven for some missense variants, the evidence for truncating variants is currently limited (PMID: 19513095). (I) 0107 - This gene is associated with autosomal dominant disease. (I) 0115 - Variants in this gene are known to have variable expressivity. Variants in FOXC1 have been reported to demonstrate interfamilial and intrafamilial expressivity (PMIDs: 19513095; 31836490). 0204 - Variant is predicted to result in a truncated protein (premature termination codon is NOT located at least 54 nucleotides upstream of the final exon-exon junction) with at least 1/3 of the protein sequence affected. (SP) 0251 - This variant is heterozygous. (I) 0301 - Variant is absent from gnomAD (both v2 and v3). (SP) 0604 - Variant is not located in an established domain, motif, hotspot or informative constraint region. (I) 0701 - Other protein-truncating variants comparable to the one identified in this case have very strong previous evidence for pathogenicity. There are greater than four protein-truncating variants located downstream of this variant (ClinVar; Decipher). (SP) 0801 - This variant has strong previous evidence of pathogenicity in unrelated individuals. (SP) 0905 - No published segregation evidence has been identified for this variant. (I) 1007 - No published functional evidence has been identified for this variant. (I) Legend: (SP) - Supporting pathogenic, (I) - Information, (SB) - Supporting benign

Genomics, Genetics and Epigenetics Laboratory, Medical College of Wisconsin
Classification: Pathogenic for Axenfeld-Rieger syndrome type 3. Last evaluated: 2022-06-23. Review status: criteria provided, single submitter. Criteria: ACMG Guidelines, 2015. Collection method: research. Allele origin: germline. Affected: yes. Observed: 3 variant alleles.

Blueprint Genetics
Classification: Pathogenic for FOXC1-related disorders. Last evaluated: 2021-07-20. Review status: criteria provided, single submitter. Criteria: ACMG Guidelines, 2015. Collection method: clinical testing. Allele origin: germline. Affected: yes. Observed: 2 variant alleles.

Labcorp Genetics (formerly Invitae), Labcorp
Classification: Pathogenic for Axenfeld-Rieger syndrome type 3. Last evaluated: 2017-05-25. Review status: criteria provided, single submitter. Criteria: Invitae Variant Classification Sherloc (09022015). Collection method: clinical testing. Allele origin: germline.
Comment: This sequence change results in a premature translational stop signal in the FOXC1 gene (p.Leu240Valfs*65). While this is not anticipated to result in nonsense mediated decay, it is expected to disrupt the last 314 amino acids of the FOXC1 protein. While this variant is not present in population databases, the frequency information is unreliable, as metrics indicate poor data quality at this position in the ExAC database. This variant has been reported to be de novo in an individual affected with Axenfeld-Rieger syndrome with developmental glaucoma (PMID: 16638984). ClinVar contains an entry for this variant (Variation ID: 375429). A different truncation downstream of this variant (c.816_817delinsG) has been determined to be pathogenic (PMID: 20881294). This suggests that deletion of this region of the FOXC1 protein is causative of disease. For these reasons, this variant has been classified as Pathogenic.

Genetics and Molecular Pathology, SA Pathology
Classification: Pathogenic for Axenfeld-Rieger syndrome type 3. Last evaluated: 2015-06-11. Review status: no assertion criteria provided. Collection method: clinical testing. Allele origin: unknown. Inheritance: Autosomal dominant inheritance. Affected: yes. Observed: 1 variant allele, 1 heterozygote. Not counted in ClinVar's aggregate classification.
Comment: Frame-shift introducing premature terminating codon (PTC) effecting functional haploinufficiency; clinical significance consistent with FOXC1 PTC variants found upstream and down stream of this position - each regarded as pathogenic in published literature.

Literature cited by the submitters: PubMed 16638984 (cited by Victorian Clinical Genetics Services, Murdoch Childrens Research Institute and Labcorp Genetics (formerly Invitae), Labcorp); PubMed 19513095 (cited by Victorian Clinical Genetics Services, Murdoch Childrens Research Institute); PubMed 31836490 (cited by Victorian Clinical Genetics Services, Murdoch Childrens Research Institute); PubMed 35882526 (cited by Genomics, Genetics and Epigenetics Laboratory, Medical College of Wisconsin); PubMed 20881294 (cited by Labcorp Genetics (formerly Invitae), Labcorp).

NM_001453.3(FOXC1):c.718_719del (p.Leu240fs)

Gene: FOXC1 (forkhead box C1; plus strand). Cytogenetic location: 6p25.3.
Variant type: Deletion.
Coding change: c.718_719del on transcript NM_001453.3 (MANE Select); coding-DNA positions 718 to 719, 2 bases deleted (CT; older notation c.718_719delCT).
Protein change: p.Leu240fs; shifts the reading frame from leucine 240.
Molecular consequence: frameshift variant.
Genome position (GRCh38, 1-based): chr6:1,611,163-1,611,164, CT deleted. VCF-style (leftmost placement, unchanged base first): chr6-1611162-CCT-C. GRCh37 (hg19) VCF-style: chr6-1611397-CCT-C.
Other names: c.718_719delCT (NM_001453.2, NM_001453.3); short protein forms L240fs.
Identifiers: ClinVar variation 375429 (VCV000375429.29), dbSNP rs1057519480, ClinGen allele CA16044268.
Genomic context (GRCh38, chr6:1,611,162, plus strand): 5'-GCCCGTGCGCATCCAGGACATCAAGACCGAGAACGGTACGTGCCCCTCGCCGCCCCAGCC[CCT>C]GTCCCCGGCCGCCGCCCTGGGCAGCGGCAGCGCCGCCGCGGTGCCCAAGATCGAGAGCCC-3'